The following is an entry in ClinVar:

ClinVar aggregate classification (germline): Uncertain significance (3 of 4 stars; one submission).

Conditions:
Malignant hyperthermia of anesthesia. Also called: Anesthesic-triggered malignant hyperthermia. Identifiers: Orphanet 423, MedGen C0024591, MONDO:0018493, HP:0034733.

Submission:

ClinGen Malignant Hyperthermia Susceptibility Variant Curation Expert Panel, ClinGen
Classification: Uncertain significance for Malignant hyperthermia of anesthesia. Last evaluated: 2025-08-01. Review status: reviewed by expert panel. Criteria: ClinGen MHS ACMG Specifications V2. Collection method: curation. Allele origin: germline. Inheritance: Autosomal dominant inheritance.
Comment: This pathogenicity assessment is relevant only for malignant hyperthermia susceptibility (MHS) inherited in an autosomal dominant pattern. Variants in RYR1 can also cause other myopathies inherited in an autosomal dominant pattern or in an autosomal recessive pattern. Some of these disorders may predispose individuals to malignant hyperthermia. RYR1 variants may also contribute to a malignant hyperthermia reaction in combination with other genetic and non-genetic factors and the clinician needs to consider such factors in making management decisions. This sequence variant predicts a substitution of tryptophan with cysteine at codon 5020 of the RYR1 protein, p.(Trp5020Cys). This variant was not present in a large population database (gnomAD) at the time this variant was interpreted. This variant has been reported in an individual with a personal or family history of an MH episode and a positive in vitro contracture test (IVCT) or caffeine halothane contracture test (CHCT) result (if the proband was unavailable for testing, a positive diagnostic test result in a mutation-positive relative was counted), PS4_Supporting (PMID:25960145). No functional studies were identified for this variant. This variant does not reside in a hotspot for pathogenic variants that contribute to MHS. A REVEL score >0.85 (0.892) supports a pathogenic status for this variant, PP3_Moderate. This variant has been classified as a Variant of Unknown Significance. Criteria implemented: PS4_Supporting, PP3_Moderate.

NM_000540.3(RYR1):c.15060G>C (p.Trp5020Cys)

Gene: RYR1 (ryanodine receptor 1; plus strand). Cytogenetic location: 19q13.2.
Variant type: single nucleotide variant.
Coding change: c.15060G>C on transcript NM_000540.3 (MANE Select); coding-DNA position 15060, G replaced by C.
Protein change: p.Trp5020Cys; replaces tryptophan 5020 with cysteine.
Molecular consequence: missense variant.
Genome position (GRCh38, 1-based): chr19:38,587,363, G>C. VCF-style: chr19-38587363-G-C. GRCh37 (hg19) VCF-style: chr19-39078003-G-C.
Other names: NM_001042723.2:c.15045G>C; c.15045G>C, p.Trp5015Cys (NM_001042723.2); short protein forms W5015C, W5020C.
Identifiers: ClinVar variation 1213823 (VCV001213823.3), dbSNP rs2145922066, ClinGen allele CA405694199.